The following is an entry in ClinVar:

NM_030632.3(ASXL3):c.6346G>A (p.Ala2116Thr)

Gene: ASXL3 (ASXL transcriptional regulator 3; plus strand). Cytogenetic location: 18q12.1.
Variant type: single nucleotide variant.
Coding change: c.6346G>A on transcript NM_030632.3 (MANE Select); coding-DNA position 6346, G replaced by A.
Protein change: p.Ala2116Thr; replaces alanine 2116 with threonine.
Molecular consequence: missense variant.
Genome position (GRCh38, 1-based): chr18:33,746,194, G>A. VCF-style: chr18-33746194-G-A. GRCh37 (hg19) VCF-style: chr18-31326158-G-A.
Other names: short protein forms A2116T.
Identifiers: ClinVar variation 975647 (VCV000975647.35), dbSNP rs117661115, ClinGen allele CA8934627.

ClinVar aggregate classification (germline): Benign/Likely benign. Review status: criteria provided, multiple submitters, no conflicts (2 of 4 stars). 5 submissions from 5 submitters: Benign (2); Likely benign (1). 2 of the submissions do not count toward it. Last evaluated 2026-07-01.

Conditions:
ASXL3-related disorder. Also called: ASXL3-related condition. Identifiers: MedGen CN381524.
Intellectual disability. Also called: Intellectual developmental disorder; Intellectual functioning disability; intellectual disabilities. Identifiers: MedGen C3714756, MeSH D008607, MONDO:0001071, HP:0001249.

Allele frequency attached by ClinVar (database versions not stated): 1000 Genomes Project 0.00080; 1000 Genomes Project 30x 0.00094; TOPMed 0.00169; gnomAD exomes 0.00172 and 0.00276; ExAC 0.00188; gnomAD 0.00201 and 0.00208; ESP Exome Variant Server 0.00260.
gnomAD v4.1: 4,278 of 1,613,778 alleles (0.27%); highest among the groups gnomAD compares: Non-Finnish European, 0.33%; 14 homozygotes.

Submissions (5):

CeGaT Center for Human Genetics Tuebingen
Classification: Benign. Last evaluated: 2026-07-01. Review status: criteria provided, single submitter. Criteria: CeGaT Center For Human Genetics Tuebingen Variant Classification Criteria Version 2. Collection method: clinical testing. Allele origin: germline. Affected: yes. Observed: 19 variant alleles.
Comment: ASXL3: BS1, BS2

Blueprint Genetics
Classification: Likely benign. Last evaluated: 2024-11-22. Review status: criteria provided, single submitter. Criteria: ACMG Guidelines, 2015. Collection method: clinical testing. Allele origin: germline.

GeneDx
Classification: Benign. Last evaluated: 2018-10-22. Review status: criteria provided, single submitter. Criteria: GeneDx Variant Classification Process June 2021. Collection method: clinical testing. Allele origin: germline. Affected: yes.

PreventionGenetics, part of Exact Sciences
Classification: Likely benign for ASXL3-related condition. Last evaluated: 2020-06-02. Review status: no assertion criteria provided. Collection method: clinical testing. Allele origin: germline. Not counted in ClinVar's aggregate classification.
Comment: This variant is classified as likely benign based on ACMG/AMP sequence variant interpretation guidelines (Richards et al. 2015 PMID: 25741868, with internal and published modifications).

Centre de Biologie Pathologie Génétique, Centre Hospitalier Universitaire de Lille
Classification: Likely benign for Intellectual disability. Last evaluated: 2019-01-01. Review status: no assertion criteria provided. Collection method: clinical testing. Allele origin: inherited. Affected: yes. Not counted in ClinVar's aggregate classification.